The following is an entry in ClinVar:

ClinVar aggregate classification (germline): Conflicting classifications of pathogenicity. Review status: criteria provided, conflicting classifications (1 of 4 stars). 6 submissions from 6 submitters: Uncertain significance (2); Likely benign (1). 3 of the submissions do not count toward it. Last evaluated 2023-10-14.

Conditions:
Hereditary lymphedema type I (LMPHM1). Also called: LYMPHATIC MALFORMATION 1; Milroy Disease; Nonne-Milroy disease; Congenital hereditary lymphedema; Early onset lymphedema; Hereditary lymphedema 1. Identifiers: Orphanet 79452, MedGen C1704423, MONDO:0007919, OMIM 153100.
FLT4-related disorder. Also called: FLT4-related condition.

Allele frequency attached by ClinVar (database versions not stated): ESP Exome Variant Server 0.00108.
gnomAD v4.1: 1,579 of 1,613,096 alleles (0.098%); highest among the groups gnomAD compares: Non-Finnish European, 0.13%; 1 homozygote.

Submissions (6):

Clinical Genomics Laboratory, Washington University in St. Louis
Classification: Uncertain significance for Hereditary lymphedema type I. Last evaluated: 2023-10-14. Review status: criteria provided, single submitter. Criteria: ACMG Guidelines, 2015. Collection method: clinical testing. Allele origin: germline.
Comment: The FLT4 c.3023C>T (p.Pro1008Leu) variant was identified at a near heterozygous allelic fraction. The FLT4 c.3023C>T (p.Pro1008Leu) variant has been reported in at least two individuals affected with primary lymphedema; however, this variant was in trans with another FLT4 variant and did not segregate with disease in these families, and thus the clinical significance is uncertain (Evans AL et al., PMID: 12960217; Connell FC et al., PMID: 19002718). This variant has been reported in the ClinVar database as a variant of uncertain significance (ClinVar ID: 1297745). The highest population minor allele frequency in the population database genome aggregation database (v.3.1.2) is 0.1% in the European population. Computational predictors indicate that the variant is damaging; however, the functional evidence that correlates with the impact on FLT4 function is lacking. Due to limited information and based on ACMG/AMP guidelines for variant interpretation (Richards S et al., PMID: 25741868), the clinical significance of this variant is uncertain at this time.

GeneDx
Classification: Uncertain significance. Last evaluated: 2023-08-16. Review status: criteria provided, single submitter. Criteria: GeneDx Variant Classification Process June 2021. Collection method: clinical testing. Allele origin: germline. Affected: yes.
Comment: In silico analysis, which includes protein predictors and evolutionary conservation, supports a deleterious effect; This variant is associated with the following publications: (PMID: 30460540, 19002718, 12960217)

CeGaT Center for Human Genetics Tuebingen
Classification: Likely benign. Last evaluated: 2023-05-01. Review status: criteria provided, single submitter. Criteria: CeGaT Center For Human Genetics Tuebingen Variant Classification Criteria Version 2. Collection method: clinical testing. Allele origin: germline. Affected: yes. Observed: 2 variant alleles.
Comment: FLT4: BS1

PreventionGenetics, part of Exact Sciences
Classification: Likely benign for FLT4-related condition. Last evaluated: 2022-02-02. Review status: no assertion criteria provided. Collection method: clinical testing. Allele origin: germline. Not counted in ClinVar's aggregate classification.
Comment: This variant is classified as likely benign based on ACMG/AMP sequence variant interpretation guidelines (Richards et al. 2015 PMID: 25741868, with internal and published modifications).

Clinical Genetics DNA and cytogenetics Diagnostics Lab, Erasmus MC, Erasmus Medical Center
Classification: Uncertain significance. Review status: no assertion criteria provided. Collection method: clinical testing. Allele origin: germline. Affected: yes. Study: VKGL Data-share Consensus. Not counted in ClinVar's aggregate classification.

Joint Genome Diagnostic Labs from Nijmegen and Maastricht, Radboudumc and MUMC+
Classification: Uncertain significance. Review status: no assertion criteria provided. Collection method: clinical testing. Allele origin: germline. Affected: yes. Study: VKGL Data-share Consensus. Not counted in ClinVar's aggregate classification.

NM_182925.5(FLT4):c.3023C>T (p.Pro1008Leu)

Gene: FLT4 (fms related receptor tyrosine kinase 4; minus strand). Cytogenetic location: 5q35.3.
Variant type: single nucleotide variant.
Coding change: c.3023C>T on transcript NM_182925.5 (MANE Select); coding-DNA position 3023, C replaced by T.
Protein change: p.Pro1008Leu; replaces proline 1008 with leucine.
Molecular consequence: missense variant.
Genome position (GRCh38, 1-based): chr5:180,616,973, G>A on the plus strand (C>T on the coding strand, the complement: FLT4 is on the minus strand). VCF-style: chr5-180616973-G-A. GRCh37 (hg19) VCF-style: chr5-180043973-G-A.
Other names: c.3023C>T, p.Pro1008Leu (NM_001354989.2, NM_002020.5); short protein forms P1008L.
Identifiers: ClinVar variation 1297745 (VCV001297745.32), dbSNP rs149033942, ClinGen allele CA3606016.